The following is an entry in ClinVar:

ClinVar aggregate classification (germline): Uncertain significance (1 of 4 stars; one submission).

Submission:

Labcorp Genetics (formerly Invitae), Labcorp
Classification: Uncertain significance. Last evaluated: 2024-12-05. Review status: criteria provided, single submitter. Criteria: Invitae Variant Classification Sherloc (09022015). Collection method: clinical testing. Allele origin: germline.
Comment: This sequence change replaces aspartic acid, which is acidic and polar, with valine, which is neutral and non-polar, at codon 442 of the ZNF143 protein (p.Asp442Val). This variant is not present in population databases (gnomAD no frequency). This variant has not been reported in the literature in individuals affected with ZNF143-related conditions. An algorithm developed to predict the effect of missense changes on protein structure and function (PolyPhen-2) suggests that this variant is likely to be disruptive. In summary, the available evidence is currently insufficient to determine the role of this variant in disease. Therefore, it has been classified as a Variant of Uncertain Significance.

NM_003442.6(ZNF143):c.1325A>T (p.Asp442Val)

Gene: ZNF143 (zinc finger protein 143; plus strand). Cytogenetic location: 11p15.4.
Variant type: single nucleotide variant.
Coding change: c.1325A>T on transcript NM_003442.6 (MANE Select); coding-DNA position 1325, A replaced by T.
Protein change: p.Asp442Val; replaces aspartic acid 442 with valine.
Molecular consequence: missense variant.
Genome position (GRCh38, 1-based): chr11:9,508,796, A>T. VCF-style: chr11-9508796-A-T. GRCh37 (hg19) VCF-style: chr11-9530343-A-T.
Other names: c.1322A>T, p.Asp441Val (NM_001282656.2); c.1232A>T, p.Asp411Val (NM_001282657.2); short protein forms D411V, D441V, D442V.
Identifiers: ClinVar variation 3680166 (VCV003680166.2).
Genomic context (GRCh38, chr11:9,508,796, plus strand): 5'-GTGGGAAGACATACAAGCAGATCTCCACGCTGGCCATGCACAAACGGACAGCCCACAACG[A>T]CACTGAGCCCATCGAGGAGGAGCAGGAAGCCTTCTTTGAGCCGCCCCCAGGTGAGAGTTT-3'
Protein context (NP_003433.3, residues 432-452): LAMHKRTAHN[Asp442Val]TEPIEEEQEA